The following is an entry in ClinVar:

NM_001032283.3(TMPO):c.565+2170C>T

Gene: TMPO (thymopoietin; plus strand). Cytogenetic location: 12q23.1.
Variant type: single nucleotide variant.
Coding change: c.565+2170C>T on transcript NM_001032283.3 (MANE Select); 2170 bases into the intron after coding-DNA position 565, C replaced by T.
Molecular consequence: intron variant. On other transcripts: missense variant (1).
Genome position (GRCh38, 1-based): chr12:98,534,008, C>T. VCF-style: chr12-98534008-C-T. GRCh37 (hg19) VCF-style: chr12-98927786-C-T.
Other names: c.1751C>T, p.Thr584Ile (NM_003276.2); c.565+2170C>T (NM_001307975.2, NM_001032284.3); short protein forms T584I.
Identifiers: ClinVar variation 1779402 (VCV001779402.9), dbSNP rs777048063, ClinGen allele CA386153859.

ClinVar aggregate classification (germline): Uncertain significance. Review status: criteria provided, multiple submitters, no conflicts (2 of 4 stars). 2 submissions from 2 submitters: Uncertain significance (2). Last evaluated 2022-03-04.

Conditions:
Loeys-Dietz syndrome 2 (LDS2). Also called: TGFBR2-Related Loeys-Dietz Syndrome; AORTIC ANEURYSM, FAMILIAL THORACIC 3; MARFAN SYNDROME, TYPE II; Marfan syndrome, type 2 (formerly); Marfan Syndrome type 2; Marfan like connective tissue disorder. Identifiers: Orphanet 284973, Orphanet 558, MedGen C2674574, MONDO:0012427, OMIM 610168.

gnomAD v4.1: 4 of 1,607,564 alleles (0.00025%); highest among the groups gnomAD compares: African/African-American, 0.0013%; no homozygotes.

Submissions (2):

Ambry Genetics
Classification: Uncertain significance. Last evaluated: 2022-03-04. Review status: criteria provided, single submitter. Criteria: Ambry Variant Classification Scheme 2023. Collection method: clinical testing. Allele origin: germline.
Comment: The p.T584I variant (also known as c.1751C>T), located in coding exon 4 of the TMPO gene, results from a C to T substitution at nucleotide position 1751. The threonine at codon 584 is replaced by isoleucine, an amino acid with similar properties. This amino acid position is conserved. In addition, this alteration is predicted to be tolerated by in silico analysis. Since supporting evidence is limited at this time, the clinical significance of this alteration remains unclear.

Labcorp Genetics (formerly Invitae), Labcorp
Classification: Uncertain significance for Loeys-Dietz syndrome 2. Last evaluated: 2022-02-20. Review status: criteria provided, single submitter. Criteria: Invitae Variant Classification Sherloc (09022015). Collection method: clinical testing. Allele origin: germline.
Comment: This variant has not been reported in the literature in individuals affected with TMPO-related conditions. In summary, the available evidence is currently insufficient to determine the role of this variant in disease. Therefore, it has been classified as a Variant of Uncertain Significance. Algorithms developed to predict the effect of missense changes on protein structure and function are either unavailable or do not agree on the potential impact of this missense change (SIFT: "Tolerated"; PolyPhen-2: "Possibly Damaging"; Align-GVGD: "Class C0"). This variant is not present in population databases (gnomAD no frequency). This sequence change replaces threonine, which is neutral and polar, with isoleucine, which is neutral and non-polar, at codon 584 of the TMPO protein (p.Thr584Ile).